The following is an entry in ClinVar:

ClinVar aggregate classification (germline): Likely pathogenic (1 of 4 stars; one submission).

Submission:

Quest Diagnostics Nichols Institute San Juan Capistrano
Classification: Likely pathogenic. Last evaluated: 2024-02-02. Review status: criteria provided, single submitter. Criteria: Quest Diagnostics criteria. Collection method: clinical testing. Allele origin: unknown.
Comment: The NF1 c.4405del (p.Asp1469Metfs*3) variant alters the translational reading frame of the NF1 mRNA and is predicted to cause the premature termination of NF1 protein synthesis. This variant has not been reported in individuals with NF1-related conditions in the published literature. This variant has not been reported in large, multi-ethnic general populations (Genome Aggregation Database). Based on the available information, this variant is classified as likely pathogenic.

NM_001042492.3(NF1):c.4468del (p.Asp1490fs)

Gene: NF1 (neurofibromin 1; plus strand). Cytogenetic location: 17q11.2.
Variant type: Deletion.
Coding change: c.4468del on transcript NM_001042492.3 (MANE Select); coding-DNA position 4468, one base deleted (G; older notation c.4468delG).
Protein change: p.Asp1490fs; shifts the reading frame from aspartic acid 1490.
Molecular consequence: frameshift variant.
Genome position (GRCh38, 1-based): chr17:31,260,406, G deleted. VCF-style (leftmost placement, unchanged base first): chr17-31260405-TG-T. GRCh37 (hg19) VCF-style: chr17-29587423-TG-T.
Other names: c.4405delG, p.Asp1469Metfs (NM_000267.4); short protein forms D1469fs, D1490fs.
Identifiers: ClinVar variation 3572038 (VCV003572038.1).